The following is an entry in ClinVar:

NM_000246.4(CIITA):c.286G>A (p.Ala96Thr)

Gene: CIITA (class II major histocompatibility complex transactivator; plus strand). Cytogenetic location: 16p13.13.
Variant type: single nucleotide variant.
Coding change: c.286G>A on transcript NM_000246.4 (MANE Select); coding-DNA position 286, G replaced by A.
Protein change: p.Ala96Thr; replaces alanine 96 with threonine.
Molecular consequence: missense variant. On other transcripts: non-coding transcript variant (1).
Genome position (GRCh38, 1-based): chr16:10,895,755, G>A. VCF-style: chr16-10895755-G-A. GRCh37 (hg19) VCF-style: chr16-10989612-G-A.
Other names: c.286G>A, p.Ala96Thr (NM_001286402.1, NM_001286403.2, NM_001379330.1 and 3 more transcripts); c.214G>A, p.Ala72Thr (NM_001379334.1); short protein forms A96T, A72T.
Identifiers: ClinVar variation 528783 (VCV000528783.13), dbSNP rs149253747, ClinGen allele CA7899627.

ClinVar aggregate classification (germline): Uncertain significance. Review status: criteria provided, multiple submitters, no conflicts (2 of 4 stars). 6 submissions from 6 submitters: Uncertain significance (5). 1 of the submissions does not count toward it. Last evaluated 2024-11-06.

Conditions:
Rheumatoid arthritis (RA). Also called: RHEUMATOID ARTHRITIS, SUSCEPTIBILITY TO. Identifiers: MedGen C0003873, MONDO:0008383, OMIM 180300, HP:0001370.
MHC class II deficiency 1 (MHC2D1). Also called: BARE LYMPHOCYTE SYNDROME, TYPE II, COMPLEMENTATION GROUP A; Bare lymphocyte syndrome type 2, complementation group A; SCID, HLA CLASS II-NEGATIVE. Identifiers: MedGen C1859534, MONDO:0971005, OMIM 209920.
MHC class II deficiency. Also called: Bare lymphocyte syndrome 2; BLS, TYPE II. Identifiers: Orphanet 572, MedGen C5447452, MONDO:0008855.
Inborn genetic diseases. Identifiers: MedGen C0950123, MeSH D030342.

Allele frequency attached by ClinVar (database versions not stated): gnomAD 0.00046 and 0.00049; ESP Exome Variant Server 0.00054; TOPMed 0.00053; gnomAD exomes 0.00047; ExAC 0.00049.
gnomAD v4.1: 848 of 1,613,970 alleles (0.053%); highest among the groups gnomAD compares: Non-Finnish European, 0.065%; 2 homozygotes.

Submissions (6):

Blueprint Genetics
Classification: Uncertain significance. Last evaluated: 2024-11-06. Review status: criteria provided, single submitter. Criteria: ACMG Guidelines, 2015. Collection method: clinical testing. Allele origin: germline.

Ambry Genetics
Classification: Uncertain significance for Inborn genetic diseases. Last evaluated: 2024-01-02. Review status: criteria provided, single submitter. Criteria: Ambry Variant Classification Scheme 2023. Collection method: clinical testing. Allele origin: germline.

Labcorp Genetics (formerly Invitae), Labcorp
Classification: Uncertain significance for MHC class II deficiency. Last evaluated: 2022-08-19. Review status: criteria provided, single submitter. Criteria: Invitae Variant Classification Sherloc (09022015). Collection method: clinical testing. Allele origin: germline.
Comment: This sequence change replaces alanine, which is neutral and non-polar, with threonine, which is neutral and polar, at codon 96 of the CIITA protein (p.Ala96Thr). This variant is present in population databases (rs149253747, gnomAD 0.08%), and has an allele count higher than expected for a pathogenic variant. This variant has not been reported in the literature in individuals affected with CIITA-related conditions. ClinVar contains an entry for this variant (Variation ID: 528783). Algorithms developed to predict the effect of missense changes on protein structure and function are either unavailable or do not agree on the potential impact of this missense change (SIFT: "Tolerated"; PolyPhen-2: "Possibly Damaging"; Align-GVGD: "Class C0"). In summary, the available evidence is currently insufficient to determine the role of this variant in disease. Therefore, it has been classified as a Variant of Uncertain Significance.

Breakthrough Genomics
Classification: Uncertain significance. Review status: criteria provided, single submitter. Criteria: ACMG Guidelines, 2015. Collection method: not provided. Allele origin: germline. Inheritance: Autosomal recessive inheritance. Affected: yes.

Center for Genomics, Ann and Robert H. Lurie Children's Hospital of Chicago
Classification: Uncertain significance for Rheumatoid arthritis; MHC class II deficiency 1. Review status: criteria provided, single submitter. Criteria: ACMG Guidelines, 2015. Collection method: clinical testing. Allele origin: germline.
Comment: CIITA NM_000246.3 exon 3 p.Ala96Thr (c.286G>A):This variant has not been reported in the literature but is present in 0.08% (60/68036) of European alleles in the Genome Aggregation Database. This variant is present in ClinVar (Variation ID:528783). Evolutionary conservation for this variant is unclear; computational predictive tools suggest that this variant may not impact the protein. In summary, data on this variant is insufficient for disease classification. Therefore, the clinical significance of this variant is uncertain.

Natera, Inc.
Classification: Uncertain significance for Bare lymphocyte syndrome type II. Last evaluated: 2019-12-10. Review status: no assertion criteria provided. Collection method: clinical testing. Allele origin: germline. Not counted in ClinVar's aggregate classification.